The following is an entry in ClinVar:

NM_001242896.3(DEPDC5):c.3925C>T (p.Pro1309Ser)

Gene: DEPDC5 (DEP domain containing 5, GATOR1 subcomplex subunit; plus strand). Cytogenetic location: 22q12.3.
Variant type: single nucleotide variant.
Coding change: c.3925C>T on transcript NM_001242896.3 (MANE Select); coding-DNA position 3925, C replaced by T.
Protein change: p.Pro1309Ser; replaces proline 1309 with serine.
Molecular consequence: missense variant. On other transcripts: non-coding transcript variant (5).
Genome position (GRCh38, 1-based): chr22:31,879,644, C>T. VCF-style: chr22-31879644-C-T. GRCh37 (hg19) VCF-style: chr22-32275630-C-T.
Other names: c.3898C>T, p.Pro1300Ser (NM_001136029.4); c.3625C>T, p.Pro1209Ser (NM_001242897.2); c.3859C>T, p.Pro1287Ser (NM_001363852.2, NM_001364320.2); c.3691C>T, p.Pro1231Ser (NM_001363854.2, NM_001364319.2); c.3925C>T, p.Pro1309Ser (NM_001364318.2); c.3841C>T, p.Pro1281Ser (NM_001369901.1, NM_001369902.1); c.3832C>T, p.Pro1278Ser (NM_001369903.1, NM_014662.6); short protein forms P1309S, P1281S, P1209S, P1278S, P1300S, P1231S, P1287S.
Identifiers: ClinVar variation 2077157 (VCV002077157.4), dbSNP rs2522691505, ClinGen allele CA411282369.

ClinVar aggregate classification (germline): Uncertain significance (1 of 4 stars; one submission).

Conditions:
Familial focal epilepsy with variable foci (FPEVF). Identifiers: Orphanet 98820, MedGen C1858477, MONDO:0020310.

Submission:

Labcorp Genetics (formerly Invitae), Labcorp
Classification: Uncertain significance for Familial focal epilepsy with variable foci. Last evaluated: 2025-03-26. Review status: criteria provided, single submitter. Criteria: Invitae Variant Classification Sherloc (09022015). Collection method: clinical testing. Allele origin: germline.
Comment: This sequence change replaces proline, which is neutral and non-polar, with serine, which is neutral and polar, at codon 1309 of the DEPDC5 protein (p.Pro1309Ser). This variant is not present in population databases (gnomAD no frequency). This variant has not been reported in the literature in individuals affected with DEPDC5-related conditions. ClinVar contains an entry for this variant (Variation ID: 2077157). Experimental studies and prediction algorithms are not available or were not evaluated, and the functional significance of this variant is currently unknown. In summary, the available evidence is currently insufficient to determine the role of this variant in disease. Therefore, it has been classified as a Variant of Uncertain Significance.